The following is an entry in ClinVar:

ClinVar aggregate classification (germline): Uncertain significance. Review status: criteria provided, multiple submitters, no conflicts (2 of 4 stars). 2 submissions from 2 submitters: Uncertain significance (2). Last evaluated 2022-10-24.

Conditions:
Inborn genetic diseases. Identifiers: MedGen C0950123, MeSH D030342.
MHC class I deficiency. Identifiers: Orphanet 34592, MedGen C6024714, MONDO:0011476.

Allele frequency attached by ClinVar (database versions not stated): gnomAD exomes below 0.00001 and 0.00001; gnomAD 0.00002 and 0.00001; TOPMed 0.00001; ExAC 0.00002.

Submissions (2):

Labcorp Genetics (formerly Invitae), Labcorp
Classification: Uncertain significance for MHC class I deficiency 1. Last evaluated: 2022-10-24. Review status: criteria provided, single submitter. Criteria: Invitae Variant Classification Sherloc (09022015). Collection method: clinical testing. Allele origin: germline.
Comment: This sequence change replaces arginine, which is basic and polar, with lysine, which is basic and polar, at codon 189 of the TAP1 protein (p.Arg189Lys). The frequency data for this variant in the population databases is considered unreliable, as metrics indicate poor data quality at this position in the gnomAD database. This variant has not been reported in the literature in individuals affected with TAP1-related conditions. ClinVar contains an entry for this variant (Variation ID: 946255). Algorithms developed to predict the effect of missense changes on protein structure and function output the following: SIFT: "Tolerated"; PolyPhen-2: "Benign"; Align-GVGD: "Class C0". The lysine amino acid residue is found in multiple mammalian species, which suggests that this missense change does not adversely affect protein function. In summary, the available evidence is currently insufficient to determine the role of this variant in disease. Therefore, it has been classified as a Variant of Uncertain Significance.

Ambry Genetics
Classification: Uncertain significance for Inborn genetic diseases. Last evaluated: 2021-07-21. Review status: criteria provided, single submitter. Criteria: Ambry Variant Classification Scheme 2023. Collection method: clinical testing. Allele origin: germline.

NM_000593.6(TAP1):c.386G>A (p.Arg129Lys)

Gene: TAP1 (transporter 1, ATP binding cassette subfamily B member; minus strand). Cytogenetic location: 6p21.32.
Variant type: single nucleotide variant.
Coding change: c.386G>A on transcript NM_000593.6 (MANE Select); coding-DNA position 386, G replaced by A.
Protein change: p.Arg129Lys; replaces arginine 129 with lysine.
Molecular consequence: missense variant.
Genome position (GRCh38, 1-based): chr6:32,853,251, C>T on the plus strand (G>A on the coding strand, the complement: TAP1 is on the minus strand). VCF-style: chr6-32853251-C-T. GRCh37 (hg19) VCF-style: chr6-32821028-C-T.
Other names: short protein forms R129K.
Identifiers: ClinVar variation 946255 (VCV000946255.7), dbSNP rs777326504, ClinGen allele CA3747028.
Genomic context (GRCh38, chr6:32,853,251, plus strand): 5'-GGCAGTGCCGCTGCATAACTGACAACGAAGGCGGTAGGGTGACTTCCCCAGTGCAGTAGC[C>T]TGGTGCTATCCGCGGACCCGGGGGCTCCCCATGAGATCAGCTCTCGGAACAAGGCAAGTC-3'
Protein context (NP_000584.3, residues 119-139): WGAPGSADST[Arg129Lys]LLHWGSHPTA